The following is an entry in ClinVar:

NM_006946.4(SPTBN2):c.1929C>G (p.Leu643=)

Gene: SPTBN2 (spectrin beta, non-erythrocytic 2; minus strand). Cytogenetic location: 11q13.2.
Variant type: single nucleotide variant.
Coding change: c.1929C>G on transcript NM_006946.4 (MANE Select); coding-DNA position 1929, C replaced by G.
Protein change: p.Leu643=; no amino-acid change (leucine 643 retained).
Molecular consequence: synonymous variant.
Genome position (GRCh38, 1-based): chr11:66,705,347, G>C on the plus strand (C>G on the coding strand, the complement: SPTBN2 is on the minus strand). VCF-style: chr11-66705347-G-C. GRCh37 (hg19) VCF-style: chr11-66472818-G-C.
Identifiers: ClinVar variation 586469 (VCV000586469.17), dbSNP rs747355437, ClinGen allele CA6129211.
Genomic context (GRCh38, chr11:66,705,347, plus strand): 5'-GAGGTGCTGCTGCTCCCGCACCCAGGCCTCAGCTTCACCCACCTCCCAGAGGAAACGCCA[G>C]AGCCGCCGTGATTCCTCCAGCCGGGCCCGCCGCGCCGCTGCCAACTCGCACAGTGCCTCA-3'
Protein context (NP_008877.2, residues 633-653): RRARLEESRR[Leu643=]WRFLWEVGEA

ClinVar aggregate classification (germline): Benign/Likely benign. Review status: criteria provided, multiple submitters, no conflicts (2 of 4 stars). 3 submissions from 3 submitters: Benign (1); Likely benign (2). Last evaluated 2025-08-01.

Allele frequency attached by ClinVar (database versions not stated): ExAC 0.00002; gnomAD 0.00002; gnomAD exomes 0.00005; TOPMed 0.00005.
gnomAD v4.1: 22 of 1,611,254 alleles (0.0014%); highest among the groups gnomAD compares: Admixed American, 0.033%; no homozygotes.

Submissions (3):

CeGaT Center for Human Genetics Tuebingen
Classification: Likely benign. Last evaluated: 2025-08-01. Review status: criteria provided, single submitter. Criteria: CeGaT Center For Human Genetics Tuebingen Variant Classification Criteria Version 2. Collection method: clinical testing. Allele origin: germline. Affected: yes. Observed: 1 variant allele.
Comment: SPTBN2: BP4, BP7

Labcorp Genetics (formerly Invitae), Labcorp
Classification: Likely benign. Last evaluated: 2025-07-14. Review status: criteria provided, single submitter. Criteria: Invitae Variant Classification Sherloc (09022015). Collection method: clinical testing. Allele origin: germline.

Athena Diagnostics
Classification: Benign. Last evaluated: 2017-10-26. Review status: criteria provided, single submitter. Criteria: Athena Diagnostics Criteria. Collection method: clinical testing. Allele origin: germline.